The following is an entry in ClinVar:

ClinVar aggregate classification (germline): Uncertain significance. Review status: criteria provided, multiple submitters, no conflicts (2 of 4 stars). 2 submissions from 2 submitters: Uncertain significance (2). Last evaluated 2024-08-27.

Conditions:
Inborn genetic diseases. Identifiers: MedGen C0950123, MeSH D030342.

gnomAD v4.1: 3 of 1,603,430 alleles (0.00019%); highest among the groups gnomAD compares: African/African-American, 0.0013%; no homozygotes.

Submissions (2):

Ambry Genetics
Classification: Uncertain significance for Inborn genetic diseases. Last evaluated: 2024-08-27. Review status: criteria provided, single submitter. Criteria: Ambry Variant Classification Scheme 2023. Collection method: clinical testing. Allele origin: germline.

Labcorp Genetics (formerly Invitae), Labcorp
Classification: Uncertain significance. Last evaluated: 2021-12-24. Review status: criteria provided, single submitter. Criteria: Invitae Variant Classification Sherloc (09022015). Collection method: clinical testing. Allele origin: germline.
Comment: This sequence change replaces proline, which is neutral and non-polar, with leucine, which is neutral and non-polar, at codon 1343 of the WHSC1 protein (p.Pro1343Leu). This variant is present in population databases (no rsID available, gnomAD 0.004%). This variant has not been reported in the literature in individuals affected with WHSC1-related conditions. Algorithms developed to predict the effect of missense changes on protein structure and function output the following: SIFT: "Deleterious"; PolyPhen-2: "Not Available"; Align-GVGD: "Class C0". The leucine amino acid residue is found in multiple mammalian species, which suggests that this missense change does not adversely affect protein function. In summary, the available evidence is currently insufficient to determine the role of this variant in disease. Therefore, it has been classified as a Variant of Uncertain Significance.

NM_001042424.3(NSD2):c.4028C>T (p.Pro1343Leu)

Gene: NSD2 (nuclear receptor binding SET domain protein 2; plus strand). Cytogenetic location: 4p16.3.
Variant type: single nucleotide variant.
Coding change: c.4028C>T on transcript NM_001042424.3 (MANE Select); coding-DNA position 4028, C replaced by T.
Protein change: p.Pro1343Leu; replaces proline 1343 with leucine.
Molecular consequence: missense variant.
Genome position (GRCh38, 1-based): chr4:1,978,839, C>T. VCF-style: chr4-1978839-C-T. GRCh37 (hg19) VCF-style: chr4-1980566-C-T.
Other names: c.4028C>T (NM_133330.2); c.4028C>T, p.Pro1343Leu (NM_133330.3, NM_133331.3, NM_133335.4); short protein forms P1343L.
Identifiers: ClinVar variation 1931818 (VCV001931818.6), dbSNP rs368799821, ClinGen allele CA91300061.
Genomic context (GRCh38, chr4:1,978,839, plus strand): 5'-GCTGTGAGCATGACTTAGGGGCGGCATCGGTCAGAAGCACCAAGACTGAGAAGCCCCCCC[C>T]AGAGCCAGGGAAGCCGAAGGGGAAGAGGCGGCGGCGGAGGGGCTGGCGGAGAGTCACAGA-3'
Protein context (NP_001035889.1, residues 1333-1353): VRSTKTEKPP[Pro1343Leu]EPGKPKGKRR